The following is an entry in ClinVar:

NM_002206.3(ITGA7):c.1705C>T (p.Arg569Ter)

Gene: ITGA7 (integrin subunit alpha 7; minus strand). Cytogenetic location: 12q13.2.
Variant type: single nucleotide variant.
Coding change: c.1705C>T on transcript NM_002206.3 (MANE Select); coding-DNA position 1705, C replaced by T.
Protein change: p.Arg569Ter; replaces arginine 569 with a stop codon.
Molecular consequence: nonsense.
Genome position (GRCh38, 1-based): chr12:55,696,931, G>A on the plus strand (C>T on the coding strand, the complement: ITGA7 is on the minus strand). VCF-style: chr12-55696931-G-A. GRCh37 (hg19) VCF-style: chr12-56090715-G-A.
Other names: c.1717C>T, p.Arg573Ter (NM_001144996.2); c.1426C>T, p.Arg476Ter (NM_001144997.2); c.1378C>T, p.Arg460Ter (NM_001367993.1); c.361C>T, p.Arg121Ter (NM_001367994.1); c.1687C>T, p.Arg563Ter (NM_001374465.1); c.1837C>T, p.Arg613Ter (NM_001410977.1); c.1699C>T, p.Arg567Ter (NM_001414029.1); c.1630C>T, p.Arg544Ter (NM_001414030.1); and 5 more; short protein forms R121*, R460*, R476*, R563*, R569*, R573*, R613*, R540*.
Identifiers: ClinVar variation 1324591 (VCV001324591.9), dbSNP rs201217202, ClinGen allele CA6615859.

ClinVar aggregate classification (germline): Pathogenic/Likely pathogenic. Review status: criteria provided, multiple submitters, no conflicts (2 of 4 stars). 2 submissions from 2 submitters: Pathogenic (1); Likely pathogenic (1). Last evaluated 2024-05-13.

Conditions:
Congenital muscular dystrophy due to integrin alpha-7 deficiency. Also called: MYOPATHY, CONGENITAL, DUE TO INTEGRIN ALPHA-7 DEFICIENCY; Congenital muscular dystrophy with integrin alpha-7 deficiency; Muscular dystrophy, congenital, due to ITGA7 deficiency. Identifiers: Orphanet 34520, MedGen C2750786, MONDO:0013177, OMIM 613204.

Allele frequency attached by ClinVar (database versions not stated): ExAC 0.00001; gnomAD 0.00002; gnomAD exomes 0.00002; TOPMed 0.00002.
gnomAD v4.1: 82 of 1,614,070 alleles (0.0051%); highest among the groups gnomAD compares: Non-Finnish European, 0.0065%; no homozygotes.

Submissions (2):

Labcorp Genetics (formerly Invitae), Labcorp
Classification: Pathogenic for Congenital muscular dystrophy due to integrin alpha-7 deficiency. Last evaluated: 2024-05-13. Review status: criteria provided, single submitter. Criteria: Invitae Variant Classification Sherloc (09022015). Collection method: clinical testing. Allele origin: germline.
Comment: This sequence change creates a premature translational stop signal (p.Arg569*) in the ITGA7 gene. It is expected to result in an absent or disrupted protein product. Loss-of-function variants in ITGA7 are known to be pathogenic (PMID: 9590299). This variant is present in population databases (rs201217202, gnomAD 0.005%). This variant has not been reported in the literature in individuals affected with ITGA7-related conditions. ClinVar contains an entry for this variant (Variation ID: 1324591). Algorithms developed to predict the effect of sequence changes on RNA splicing suggest that this variant may disrupt the consensus splice site. For these reasons, this variant has been classified as Pathogenic.

Revvity Omics, Revvity
Classification: Likely pathogenic for Congenital muscular dystrophy due to integrin alpha-7 deficiency. Last evaluated: 2020-01-31. Review status: criteria provided, single submitter. Criteria: ACMG Guidelines, 2015. Collection method: clinical testing. Allele origin: germline.

Literature cited by the submitters: PubMed 9590299 (cited by Labcorp Genetics (formerly Invitae), Labcorp).